The following is an entry in ClinVar:

NM_000384.3(APOB):c.11687C>T (p.Ala3896Val)

Gene: APOB (apolipoprotein B; minus strand). Cytogenetic location: 2p24.1.
Variant type: single nucleotide variant.
Coding change: c.11687C>T on transcript NM_000384.3 (MANE Select); coding-DNA position 11687, C replaced by T.
Protein change: p.Ala3896Val; replaces alanine 3896 with valine.
Molecular consequence: missense variant.
Genome position (GRCh38, 1-based): chr2:21,005,181, G>A on the plus strand (C>T on the coding strand, the complement: APOB is on the minus strand). VCF-style: chr2-21005181-G-A. GRCh37 (hg19) VCF-style: chr2-21228053-G-A.
Other names: c.11687C>T (NM_000384.2); short protein forms A3896V.
Identifiers: ClinVar variation 3760446 (VCV003760446.3).

ClinVar aggregate classification (germline): Conflicting classifications of pathogenicity. Review status: criteria provided, conflicting classifications (1 of 4 stars). 2 submissions from 2 submitters: Uncertain significance (1); Likely benign (1). Last evaluated 2026-03-28.

Conditions:
Cardiovascular phenotype. Identifiers: MedGen CN230736.
Familial hypobetalipoproteinemia 1. Also called: Hypobetalipoproteinemia, normotriglyceridemic; Acanthocytosis with hypobetalipoproteinemia; APOB-Related Familial Hypobetalipoproteinemia. Identifiers: MedGen C4551990, MONDO:0014252, OMIM 615558.
Hypercholesterolemia, autosomal dominant, type B (FHCL2). Also called: APOB-Related Familial Hypercholesterolemia, Autosomal Dominant; Familial Hypercholesterolemia Type B; APOLIPOPROTEIN B-100, FAMILIAL DEFECTIVE; APOLIPOPROTEIN B-100, FAMILIAL LIGAND-DEFECTIVE; Familial hypercholesterolemia 2; HYPERCHOLESTEROLEMIA, FAMILIAL, DUE TO LIGAND-DEFECTIVE APOLIPOPROTEIN B. Identifiers: MedGen C1704417, MONDO:0007751, OMIM 144010.

gnomAD v4.1: 4 of 1,614,046 alleles (0.00025%); highest among the groups gnomAD compares: South Asian, 0.0022%; no homozygotes.

Submissions (2):

Ambry Genetics
Classification: Uncertain significance for Cardiovascular phenotype. Last evaluated: 2026-03-28. Review status: criteria provided, single submitter. Criteria: Ambry Variant Classification Scheme 2023. Collection method: clinical testing. Allele origin: germline.
Comment: The p.A3896V variant (also known as c.11687C>T), located in coding exon 26 of the APOB gene, results from a C to T substitution at nucleotide position 11687. The alanine at codon 3896 is replaced by valine, an amino acid with similar properties. This amino acid position is conserved. In addition, this alteration is predicted to be tolerated by in silico analysis. Based on the available evidence, the clinical significance of this variant remains unclear.

Labcorp Genetics (formerly Invitae), Labcorp
Classification: Likely benign for Familial hypobetalipoproteinemia 1; Hypercholesterolemia, autosomal dominant, type B. Last evaluated: 2024-03-18. Review status: criteria provided, single submitter. Criteria: Invitae Variant Classification Sherloc (09022015). Collection method: clinical testing. Allele origin: germline.